The following is an entry in ClinVar:

ClinVar aggregate classification (germline): Likely benign. Review status: criteria provided, multiple submitters, no conflicts (2 of 4 stars). 3 submissions from 3 submitters: Likely benign (2). 1 of the submissions does not count toward it. Last evaluated 2025-11-09.

Conditions:
CDKN1C-related disorder. Also called: CDKN1C-related condition.
Beckwith-Wiedemann syndrome (BWS). Also called: EMG SYNDROME; Exomphalos macroglossia gigantism syndrome. Identifiers: Orphanet 116, MedGen C0004903, MONDO:0007534, OMIM 130650.

Submissions (3):

Labcorp Genetics (formerly Invitae), Labcorp
Classification: Likely benign for Beckwith-Wiedemann syndrome. Last evaluated: 2025-11-09. Review status: criteria provided, single submitter. Criteria: Invitae Variant Classification Sherloc (09022015). Collection method: clinical testing. Allele origin: germline.

Blueprint Genetics
Classification: Likely benign. Last evaluated: 2023-10-19. Review status: criteria provided, single submitter. Criteria: ACMG Guidelines, 2015. Collection method: clinical testing. Allele origin: germline.

PreventionGenetics, part of Exact Sciences
Classification: Likely benign for CDKN1C-related condition. Last evaluated: 2022-04-06. Review status: no assertion criteria provided. Collection method: clinical testing. Allele origin: germline. Not counted in ClinVar's aggregate classification.
Comment: This variant is classified as likely benign based on ACMG/AMP sequence variant interpretation guidelines (Richards et al. 2015 PMID: 25741868, with internal and published modifications).

NM_001122630.2(CDKN1C):c.597_614del (p.186_187AP[7])

Gene: CDKN1C (cyclin dependent kinase inhibitor 1C; minus strand). Cytogenetic location: 11p15.4.
Variant type: Deletion.
Coding change: c.597_614del on transcript NM_001122630.2 (MANE Select); coding-DNA positions 597 to 614, 18 bases deleted (CGCCCCGGCCCCGGCCCC).
Protein change: p.186_187AP[7].
Molecular consequence: inframe deletion. On other transcripts: intron variant (1).
Genome position (GRCh38, 1-based): chr11:2,884,843-2,884,860, GGGGCCGGGGCCGGGGCG deleted on the plus strand (CGCCCCGGCCCCGGCCCC on the coding strand, the reverse complement: CDKN1C is on the minus strand); deleting any 18 consecutive bases within chr11:2,884,843-2,884,877 gives the same sequence; the c. name uses the placement nearest the transcript's 3' end. VCF-style (leftmost placement, unchanged base first): chr11-2884842-CGGGGCCGGGGCCGGGGCG-C. GRCh37 (hg19) VCF-style: chr11-2906072-CGGGGCCGGGGCCGGGGCG-C.
Other names: c.630_647delCGCCCCGGCCCCGGCCCC (NM_000076.2); c.630_647del18 (NM_000076.2); c.630_647del, p.197_198AP[7] (LRG_533t1, NM_000076.2, NM_001362474.2); c.597_614del, p.186_187AP[7] (NM_001122631.2); c.255+342_255+359del (NM_001362475.2).
Identifiers: ClinVar variation 412856 (VCV000412856.13), dbSNP rs747360016, ClinGen allele CA5822202.